The following is an entry in ClinVar:

NM_006019.4(TCIRG1):c.1399C>T (p.Arg467Cys)

Gene: TCIRG1 (T cell immune regulator 1, ATPase H+ transporting V0 subunit a3; plus strand). Cytogenetic location: 11q13.2.
Variant type: single nucleotide variant.
Coding change: c.1399C>T on transcript NM_006019.4 (MANE Select); coding-DNA position 1399, C replaced by T.
Protein change: p.Arg467Cys; replaces arginine 467 with cysteine.
Molecular consequence: missense variant.
Genome position (GRCh38, 1-based): chr11:68,047,740, C>T. VCF-style: chr11-68047740-C-T. GRCh37 (hg19) VCF-style: chr11-67815207-C-T.
Other names: c.505C>T, p.Arg169Cys (NM_001351059.2); c.751C>T, p.Arg251Cys (NM_006053.4); c.1399C>T (NM_006019.3); short protein forms R467C, R169C, R251C.
Identifiers: ClinVar variation 1437710 (VCV001437710.8), dbSNP rs774863206, ClinGen allele CA6147093.
Genomic context (GRCh38, chr11:68,047,740, plus strand): 5'-CTCCTGCTTATGGGCCTGTTCTCCATCTACACCGGCTTCATCTACAACGAGTGCTTCAGT[C>T]GCGCCACCAGCATCTTCCCCTCGGGCTGGAGTGTGGCCGCCATGGCCAACCAGTCTGGCT-3'
Protein context (NP_006010.2, residues 457-477): TGFIYNECFS[Arg467Cys]ATSIFPSGWS

ClinVar aggregate classification (germline): Uncertain significance. Review status: criteria provided, multiple submitters, no conflicts (2 of 4 stars). 2 submissions from 2 submitters: Uncertain significance (2). Last evaluated 2024-07-31.

Conditions:
Inborn genetic diseases. Identifiers: MedGen C0950123, MeSH D030342.

Allele frequency attached by ClinVar (database versions not stated): gnomAD 0.00001; ExAC 0.00002; TOPMed 0.00002.
gnomAD v4.1: 12 of 1,613,136 alleles (0.00074%); highest among the groups gnomAD compares: African/African-American, 0.0053%; no homozygotes.

Submissions (2):

Labcorp Genetics (formerly Invitae), Labcorp
Classification: Uncertain significance. Last evaluated: 2024-07-31. Review status: criteria provided, single submitter. Criteria: Invitae Variant Classification Sherloc (09022015). Collection method: clinical testing. Allele origin: germline.
Comment: This sequence change replaces arginine, which is basic and polar, with cysteine, which is neutral and slightly polar, at codon 467 of the TCIRG1 protein (p.Arg467Cys). This variant is present in population databases (rs774863206, gnomAD 0.008%). This variant has not been reported in the literature in individuals affected with TCIRG1-related conditions. ClinVar contains an entry for this variant (Variation ID: 1437710). Advanced modeling of protein sequence and biophysical properties (such as structural, functional, and spatial information, amino acid conservation, physicochemical variation, residue mobility, and thermodynamic stability) performed at Invitae indicates that this missense variant is expected to disrupt TCIRG1 protein function with a positive predictive value of 80%. In summary, the available evidence is currently insufficient to determine the role of this variant in disease. Therefore, it has been classified as a Variant of Uncertain Significance.

Ambry Genetics
Classification: Uncertain significance for Inborn genetic diseases. Last evaluated: 2024-04-04. Review status: criteria provided, single submitter. Criteria: Ambry Variant Classification Scheme 2023. Collection method: clinical testing. Allele origin: germline.